The following is an entry in ClinVar:

NM_000548.5(TSC2):c.2355+153A>G

Gene: TSC2 (TSC complex subunit 2; plus strand). Cytogenetic location: 16p13.3.
Variant type: single nucleotide variant.
Coding change: c.2355+153A>G on transcript NM_000548.5 (MANE Select); 153 bases into the intron after coding-DNA position 2355, A replaced by G.
Molecular consequence: intron variant.
Genome position (GRCh38, 1-based): chr16:2,073,136, A>G. VCF-style: chr16-2073136-A-G. GRCh37 (hg19) VCF-style: chr16-2123137-A-G.
Other names: c.2355+153A>G (NM_001114382.3, NM_021055.3, NM_001370405.1 and 3 more transcripts); c.2244+153A>G (NM_001318827.2); c.1755+153A>G (NM_001318831.2); c.2208+153A>G (NM_001318829.2); c.2388+153A>G (NM_001318832.2).
Identifiers: ClinVar variation 678377 (VCV000678377.1), dbSNP rs114648999, ClinGen allele CA276740150.

ClinVar aggregate classification (germline): Likely benign (1 of 4 stars; one submission).

Allele frequency attached by ClinVar (database versions not stated): 1000 Genomes Project 30x 0.00375; 1000 Genomes Project 0.00439; gnomAD 0.00455 and 0.00498; TOPMed 0.00499.
gnomAD v4.1: 684 of 152,328 alleles (0.45%); highest among the groups gnomAD compares: African/African-American, 1.6%; 6 homozygotes.

Submission:

GeneDx
Classification: Likely benign. Last evaluated: 2018-06-14. Review status: criteria provided, single submitter. Criteria: GeneDx Variant Classification (06012015). Collection method: clinical testing. Allele origin: germline. Affected: yes.
Comment: This variant is considered likely benign or benign based on one or more of the following criteria: it is a conservative change, it occurs at a poorly conserved position in the protein, it is predicted to be benign by multiple in silico algorithms, and/or has population frequency not consistent with disease.